The following is an entry in ClinVar:

ClinVar aggregate classification (germline): Uncertain significance (1 of 4 stars; one submission).

Conditions:
Autosomal recessive ataxia, Beauce type. Also called: SYNE1-Related Autosomal Recessive Cerebellar Ataxia; Spinocerebellar ataxia, autosomal recessive 8; ATAXIA, RECESSIVE, OF BEAUCE; SYNE1 Deficiency. Identifiers: Orphanet 88644, MedGen C1853116, MONDO:0012549, OMIM 610743.
Emery-Dreifuss muscular dystrophy 4, autosomal dominant (EDMD4). Also called: EMERY-DREIFUSS MUSCULAR DYSTROPHY 4 WITH VARIABLE FEATURES. Identifiers: Orphanet 261, MedGen C2751807, MONDO:0013071, OMIM 612998.

Allele frequency attached by ClinVar (database versions not stated): ExAC 0.00001; gnomAD 0.00001; gnomAD exomes 0.00001.
gnomAD v4.1: 5 of 1,613,986 alleles (0.00031%); highest among the groups gnomAD compares: Admixed American, 0.0067%; no homozygotes.

Submission:

Labcorp Genetics (formerly Invitae), Labcorp
Classification: Uncertain significance for Emery-Dreifuss muscular dystrophy 4, autosomal dominant; Autosomal recessive ataxia, Beauce type. Last evaluated: 2021-09-22. Review status: criteria provided, single submitter. Criteria: Invitae Variant Classification Sherloc (09022015). Collection method: clinical testing. Allele origin: germline.
Comment: This sequence change replaces asparagine with aspartic acid at codon 1405 of the SYNE1 protein (p.Asn1405Asp). The asparagine residue is highly conserved and there is a small physicochemical difference between asparagine and aspartic acid. This variant is present in population databases (rs758427132, ExAC 0.001%). This variant has not been reported in the literature in individuals with SYNE1-related conditions. Algorithms developed to predict the effect of missense changes on protein structure and function (SIFT, PolyPhen-2, Align-GVGD) all suggest that this variant is likely to be tolerated, but these predictions have not been confirmed by published functional studies and their clinical significance is uncertain. In summary, the available evidence is currently insufficient to determine the role of this variant in disease. Therefore, it has been classified as a Variant of Uncertain Significance.

NM_182961.4(SYNE1):c.4192A>G (p.Asn1398Asp)

Gene: SYNE1 (spectrin repeat containing nuclear envelope protein 1; minus strand). Cytogenetic location: 6q25.2.
Variant type: single nucleotide variant.
Coding change: c.4192A>G on transcript NM_182961.4 (MANE Select); coding-DNA position 4192, A replaced by G.
Protein change: p.Asn1398Asp; replaces asparagine 1398 with aspartic acid.
Molecular consequence: missense variant.
Genome position (GRCh38, 1-based): chr6:152,436,059, T>C on the plus strand (A>G on the coding strand, the complement: SYNE1 is on the minus strand). VCF-style: chr6-152436059-T-C. GRCh37 (hg19) VCF-style: chr6-152757194-T-C.
Other names: c.4213A>G, p.Asn1405Asp (NM_033071.5); short protein forms N1398D, N1405D.
Identifiers: ClinVar variation 1506213 (VCV001506213.6), dbSNP rs758427132, ClinGen allele CA4058623.